The following is an entry in ClinVar:

NM_031844.3(HNRNPU):c.652G>A (p.Gly218Ser)

Gene: HNRNPU (heterogeneous nuclear ribonucleoprotein U; minus strand). Cytogenetic location: 1q44.
Variant type: single nucleotide variant.
Coding change: c.652G>A on transcript NM_031844.3 (MANE Select); coding-DNA position 652, G replaced by A.
Protein change: p.Gly218Ser; replaces glycine 218 with serine.
Molecular consequence: missense variant. On other transcripts: intron variant (1).
Genome position (GRCh38, 1-based): chr1:244,863,656, C>T on the plus strand (G>A on the coding strand, the complement: HNRNPU is on the minus strand). VCF-style: chr1-244863656-C-T. GRCh37 (hg19) VCF-style: chr1-245026958-C-T.
Other names: c.634+18G>A (NM_004501.3); short protein forms G218S.
Identifiers: ClinVar variation 2145413 (VCV002145413.4), dbSNP rs778444627, ClinGen allele CA1486759.

ClinVar aggregate classification (germline): Uncertain significance (1 of 4 stars; one submission).

Conditions:
Developmental and epileptic encephalopathy, 54. Also called: Epileptic encephalopathy, early infantile, 54; HNRNPU-Related Neurodevelopmental Disorder. Identifiers: MedGen C4479319, MONDO:0033363, OMIM 617391.

Allele frequency attached by ClinVar (database versions not stated): gnomAD 0.00001; gnomAD exomes 0.00001; TOPMed 0.00001; ExAC 0.00002.
gnomAD v4.1: 14 of 1,556,730 alleles (0.0009%); highest among the groups gnomAD compares: Non-Finnish European, 0.0011%; no homozygotes.

Submission:

Labcorp Genetics (formerly Invitae), Labcorp
Classification: Uncertain significance for Developmental and epileptic encephalopathy, 54. Last evaluated: 2023-05-18. Review status: criteria provided, single submitter. Criteria: Invitae Variant Classification Sherloc (09022015). Collection method: clinical testing. Allele origin: germline.
Comment: ClinVar contains an entry for this variant (Variation ID: 2145413). This variant has not been reported in the literature in individuals affected with HNRNPU-related conditions. The frequency data for this variant in the population databases is considered unreliable, as metrics indicate poor data quality at this position in the gnomAD database. This sequence change replaces glycine, which is neutral and non-polar, with serine, which is neutral and polar, at codon 218 of the HNRNPU protein (p.Gly218Ser). An algorithm developed to predict the effect of missense changes on protein structure and function (PolyPhen-2) suggests that this variant is likely to be disruptive. In summary, the available evidence is currently insufficient to determine the role of this variant in disease. Therefore, it has been classified as a Variant of Uncertain Significance.